The following is an entry in ClinVar:

NM_001457.4(FLNB):c.6866G>A (p.Arg2289His)

Gene: FLNB (filamin B; plus strand). Cytogenetic location: 3p14.3.
Variant type: single nucleotide variant.
Coding change: c.6866G>A on transcript NM_001457.4 (MANE Select); coding-DNA position 6866, G replaced by A.
Protein change: p.Arg2289His; replaces arginine 2289 with histidine.
Molecular consequence: missense variant.
Genome position (GRCh38, 1-based): chr3:58,156,053, G>A. VCF-style: chr3-58156053-G-A. GRCh37 (hg19) VCF-style: chr3-58141780-G-A.
Other names: c.6959G>A, p.Arg2320His (NM_001164317.2); c.6833G>A, p.Arg2278His (NM_001164318.2); c.6794G>A, p.Arg2265His (NM_001164319.2); c.6866G>A (NM_001457.3); short protein forms R2278H, R2265H, R2289H, R2320H.
Identifiers: ClinVar variation 1372524 (VCV001372524.7), dbSNP rs1033252725, ClinGen allele CA75478021.
Genomic context (GRCh38, chr3:58,156,053, plus strand): 5'-AGCACATCCCGGAAAGCCCCTACCTGGTGCCGGTCATCGCACCCTCCGACGACGCCCGCC[G>A]CCTCACTGTTATGAGCCTTCAGGTGAGATGCAAGGAAGCATCCATCTCCTTGGCCGCAGG-3'
Protein context (NP_001448.2, residues 2279-2299): PVIAPSDDAR[Arg2289His]LTVMSLQESG

ClinVar aggregate classification (germline): Uncertain significance. Review status: criteria provided, multiple submitters, no conflicts (2 of 4 stars). 3 submissions from 3 submitters: Uncertain significance (3). Last evaluated 2025-11-03.

Conditions:
Atelosteogenesis type I. Also called: GIANT CELL CHONDRODYSPLASIA; SPONDYLOHUMEROFEMORAL HYPOPLASIA; Atelosteogenesis Type 1 (FLNB-AO1). Identifiers: Orphanet 1190, MedGen C0265283, MONDO:0007167, OMIM 108720.
Boomerang dysplasia. Identifiers: Orphanet 1263, MedGen C0432201, MONDO:0007208, OMIM 112310.
Larsen syndrome (LRS). Also called: Larsen syndrome (FLNB-LS); Bilateral dislocation of the knees, pes cavus, cylindrically shaped fingers and characteristic facies. Identifiers: Orphanet 503, MedGen C0175778, MONDO:0007875, OMIM 150250. Disease mechanism: loss of function.
Spondylocarpotarsal synostosis syndrome (SCT). Also called: SPONDYLOCARPOTARSAL SYNDROME; Spondylocarpotarsal Synostosis Syndrome (FLNB-SCT); VERTEBRAL FUSION WITH CARPAL COALITION; Synspondylism congenital; Scoliosis, congenital with unilateral unsegmented bar. Identifiers: Orphanet 3275, MedGen C1848934, MONDO:0010094, OMIM 272460.
Atelosteogenesis type III. Also called: Atelosteogenesis Type 3 (FLNB-AO3). Identifiers: Orphanet 56305, MedGen C3668942, MONDO:0007168, OMIM 108721.
Inborn genetic diseases. Identifiers: MedGen C0950123, MeSH D030342.

Allele frequency attached by ClinVar (database versions not stated): gnomAD exomes below 0.00001.
gnomAD v4.1: 11 of 1,613,902 alleles (0.00068%); highest among the groups gnomAD compares: Middle Eastern, 0.049%; no homozygotes.

Submissions (3):

Ambry Genetics
Classification: Uncertain significance for Inborn genetic diseases. Last evaluated: 2025-11-03. Review status: criteria provided, single submitter. Criteria: Ambry Variant Classification Scheme 2023. Collection method: clinical testing. Allele origin: germline.

Labcorp Genetics (formerly Invitae), Labcorp
Classification: Uncertain significance. Last evaluated: 2025-04-17. Review status: criteria provided, single submitter. Criteria: Invitae Variant Classification Sherloc (09022015). Collection method: clinical testing. Allele origin: germline.
Comment: This sequence change replaces arginine, which is basic and polar, with histidine, which is basic and polar, at codon 2289 of the FLNB protein (p.Arg2289His). This variant is present in population databases (no rsID available, gnomAD 0.003%). This variant has not been reported in the literature in individuals affected with FLNB-related conditions. ClinVar contains an entry for this variant (Variation ID: 1372524). Invitae Evidence Modeling of protein sequence and biophysical properties (such as structural, functional, and spatial information, amino acid conservation, physicochemical variation, residue mobility, and thermodynamic stability) has been performed for this missense variant. However, the output from this modeling did not meet the statistical confidence thresholds required to predict the impact of this variant on FLNB protein function. In summary, the available evidence is currently insufficient to determine the role of this variant in disease. Therefore, it has been classified as a Variant of Uncertain Significance.

New York Genome Center
Classification: Uncertain significance for Atelosteogenesis type I; Atelosteogenesis type III; Boomerang dysplasia; Larsen syndrome; Spondylocarpotarsal synostosis syndrome. Last evaluated: 2023-05-10. Review status: criteria provided, single submitter. Criteria: NYGC Assertion Criteria 2020. Collection method: clinical testing. Allele origin: inherited. Observed: 1 heterozygote.